The following is an entry in ClinVar:

ClinVar aggregate classification (germline): Pathogenic. Review status: criteria provided, multiple submitters, no conflicts (2 of 4 stars). 2 submissions from 2 submitters: Pathogenic (2). Last evaluated 2023-08-31.

Conditions:
Familial adenomatous polyposis 4 (FAP4). Also called: MSH3-related attenuated familial adenomatous polyposis. Identifiers: Orphanet 480536, MedGen C4310719, MONDO:0044300, OMIM 617100.

Submissions (2):

Myriad Genetics, Inc.
Classification: Pathogenic for Familial adenomatous polyposis 4. Last evaluated: 2023-08-31. Review status: criteria provided, single submitter. Criteria: Myriad Autosomal Dominant, Autosomal Recessive and X-Linked Classification Criteria (2023). Collection method: clinical testing. Allele origin: unknown.
Comment: This variant is considered pathogenic. This variant creates a frameshift predicted to result in premature protein truncation.

Labcorp Genetics (formerly Invitae), Labcorp
Classification: Pathogenic. Last evaluated: 2023-02-08. Review status: criteria provided, single submitter. Criteria: Invitae Variant Classification Sherloc (09022015). Collection method: clinical testing. Allele origin: germline.
Comment: This variant has not been reported in the literature in individuals affected with MSH3-related conditions. This sequence change creates a premature translational stop signal (p.Asn1020Lysfs*17) in the MSH3 gene. It is expected to result in an absent or disrupted protein product. Loss-of-function variants in MSH3 are known to be pathogenic (PMID: 27476653). This variant is not present in population databases (gnomAD no frequency). For these reasons, this variant has been classified as Pathogenic.

Literature cited by the submitters: PubMed 27476653 (cited by Labcorp Genetics (formerly Invitae), Labcorp).

NM_002439.5(MSH3):c.3059dup (p.Asn1020fs)

Gene: MSH3 (mutS homolog 3; plus strand). Cytogenetic location: 5q14.1.
Variant type: Duplication.
Coding change: c.3059dup on transcript NM_002439.5 (MANE Select); coding-DNA position 3059, one base duplicated (A; older notation c.3059dupA).
Protein change: p.Asn1020fs; shifts the reading frame from asparagine 1020.
Molecular consequence: frameshift variant.
Genome position (GRCh38, 1-based): chr5:80,864,871, A duplicated; the last of 7 consecutive A bases (chr5:80,864,865-80,864,871); duplicating any one gives the same sequence. VCF-style (leftmost placement, unchanged base first): chr5-80864864-G-GA. GRCh37 (hg19) VCF-style: chr5-80160683-G-GA.
Other names: short protein forms N1020fs.
Identifiers: ClinVar variation 2673517 (VCV002673517.4), dbSNP rs973992111, ClinGen allele CA2674445792.